The following is an entry in ClinVar:

ClinVar aggregate classification (germline): Likely pathogenic (1 of 4 stars; one submission).

Submission:

GeneDx
Classification: Likely pathogenic. Last evaluated: 2016-11-17. Review status: criteria provided, single submitter. Criteria: GeneDx Variant Classification (06012015). Collection method: clinical testing. Allele origin: germline. Affected: yes.
Comment: The c.3742-2A>C variant in the CACNA1F gene has not been reported previously as a pathogenic variant nor as a benign variant, to our knowledge. This splice site variant destroys the canonical splice acceptor site of intron 30, which is predicted to cause abnormal gene splicing. The c.3742-2A>C variant was not observed in approximately 6500 individuals of European and African American ancestry in the NHLBI Exome Sequencing Project, indicating it is not a common benign variant in these populations. The c.3742-2A>C variant is a strong candidate for a pathogenic variant, however the possibility it may be a rare benign variant cannot be excluded.

NM_001256789.3(CACNA1F):c.3709-2A>C

Gene: CACNA1F (calcium voltage-gated channel subunit alpha1 F; minus strand). Cytogenetic location: Xp11.23.
Variant type: single nucleotide variant.
Coding change: c.3709-2A>C on transcript NM_001256789.3 (MANE Select); the canonical splice acceptor site of the intron before coding-DNA position 3709, A replaced by C.
Molecular consequence: splice acceptor variant.
Genome position (GRCh38, 1-based): chrX:49,213,904, T>G on the plus strand (A>C on the coding strand, the complement: CACNA1F is on the minus strand). VCF-style: chrX-49213904-T-G. GRCh37 (hg19) VCF-style: chrX-49070364-T-G.
Other names: c.3742-2A>C (NM_005183.4); c.3547-2A>C (NM_001256790.3).
Identifiers: ClinVar variation 390810 (VCV000390810.2), dbSNP rs1057523895, ClinGen allele CA16608507.